The following is an entry in ClinVar:

NM_001330288.2(SMARCC2):c.3277C>T (p.Pro1093Ser)

Gene: SMARCC2 (SWI/SNF related BAF chromatin remodeling complex subunit C2; minus strand). Cytogenetic location: 12q13.2.
Variant type: single nucleotide variant.
Coding change: c.3277C>T on transcript NM_001330288.2 (MANE Select); coding-DNA position 3277, C replaced by T.
Protein change: p.Pro1093Ser; replaces proline 1093 with serine.
Molecular consequence: missense variant.
Genome position (GRCh38, 1-based): chr12:56,164,687, G>A on the plus strand (C>T on the coding strand, the complement: SMARCC2 is on the minus strand). VCF-style: chr12-56164687-G-A. GRCh37 (hg19) VCF-style: chr12-56558471-G-A.
Other names: c.3277C>T, p.Pro1093Ser (NM_001130420.3, NM_139067.4); c.3184C>T, p.Pro1062Ser (NM_003075.5); short protein forms P1062S, P1093S.
Identifiers: ClinVar variation 4527075 (VCV004527075.1).

ClinVar aggregate classification (germline): Uncertain significance (1 of 4 stars; one submission).

gnomAD v4.1: 1 of 1,611,868 alleles (0.000062%); highest among the groups gnomAD compares: East Asian, 0.0022%; no homozygotes.

Submission:

GeneDx
Classification: Uncertain significance. Last evaluated: 2025-04-22. Review status: criteria provided, single submitter. Criteria: GeneDx Variant Classification Process June 2021. Collection method: clinical testing. Allele origin: germline. Affected: yes.
Comment: Not observed at significant frequency in large population cohorts (gnomAD); In silico analysis indicates that this missense variant does not alter protein structure/function; Has not been previously published as pathogenic or benign to our knowledge